The following is an entry in ClinVar:

ClinVar aggregate classification (germline): Uncertain significance (1 of 4 stars; one submission).

Conditions:
Congenital myasthenic syndrome 20. Also called: Myasthenic syndrome, congenital, 20, presynaptic. Identifiers: MedGen C4310694, MONDO:0014939, OMIM 617143.
Neuronopathy, distal hereditary motor, type 7A. Also called: HARPER-YOUNG MYOPATHY; HMN VIIA; SPINAL MUSCULAR ATROPHY, DISTAL, WITH VOCAL CORD PARALYSIS; Neuronopathy, distal hereditary motor, type viia; NEURONOPATHY, DISTAL HEREDITARY MOTOR, HARDING TYPE VIIA; NEUROPATHY, DISTAL HEREDITARY MOTOR, HARDING TYPE VIIA. Identifiers: Orphanet 139589, MedGen C1834703, MONDO:0008024, OMIM 158580.

gnomAD v4.1: 1 of 1,613,914 alleles (0.000062%); highest among the groups gnomAD compares: African/African-American, 0.0013%; no homozygotes.

Submission:

Labcorp Genetics (formerly Invitae), Labcorp
Classification: Uncertain significance for Neuronopathy, distal hereditary motor, type 7A; Congenital myasthenic syndrome 20. Last evaluated: 2024-10-10. Review status: criteria provided, single submitter. Criteria: Invitae Variant Classification Sherloc (09022015). Collection method: clinical testing. Allele origin: germline.
Comment: This sequence change replaces serine, which is neutral and polar, with glycine, which is neutral and non-polar, at codon 504 of the SLC5A7 protein (p.Ser504Gly). This variant is not present in population databases (gnomAD no frequency). This variant has not been reported in the literature in individuals affected with SLC5A7-related conditions. Invitae Evidence Modeling of protein sequence and biophysical properties (such as structural, functional, and spatial information, amino acid conservation, physicochemical variation, residue mobility, and thermodynamic stability) indicates that this missense variant is not expected to disrupt SLC5A7 protein function with a negative predictive value of 80%. In summary, the available evidence is currently insufficient to determine the role of this variant in disease. Therefore, it has been classified as a Variant of Uncertain Significance.

NM_021815.5(SLC5A7):c.1510A>G (p.Ser504Gly)

Gene: SLC5A7 (solute carrier family 5 member 7; plus strand). Cytogenetic location: 2q12.3.
Variant type: single nucleotide variant.
Coding change: c.1510A>G on transcript NM_021815.5 (MANE Select); coding-DNA position 1510, A replaced by G.
Protein change: p.Ser504Gly; replaces serine 504 with glycine.
Molecular consequence: missense variant.
Genome position (GRCh38, 1-based): chr2:108,010,628, A>G. VCF-style: chr2-108010628-A-G. GRCh37 (hg19) VCF-style: chr2-108627084-A-G.
Other names: c.1510A>G, p.Ser504Gly (NM_001305005.3); c.1195A>G, p.Ser399Gly (NM_001305006.3); c.769A>G, p.Ser257Gly (NM_001305007.3); short protein forms S257G, S399G, S504G.
Identifiers: ClinVar variation 3755297 (VCV003755297.2).